The following is an entry in ClinVar:

NM_005876.5(SPEG):c.7876T>C (p.Ser2626Pro)

Genes: ASIC4-AS1 (ASIC4 antisense RNA 1; minus strand), SPEG (striated muscle enriched protein kinase; plus strand). Cytogenetic location: 2q35.
Variant type: single nucleotide variant.
Coding change: c.7876T>C on transcript NM_005876.5 (MANE Select); coding-DNA position 7876, T replaced by C.
Protein change: p.Ser2626Pro; replaces serine 2626 with proline.
Molecular consequence: missense variant.
Genome position (GRCh38, 1-based): chr2:219,488,515, T>C. VCF-style: chr2-219488515-T-C. GRCh37 (hg19) VCF-style: chr2-220353237-T-C.
Other names: c.7876T>C (NM_005876.4); short protein forms S2626P.
Identifiers: ClinVar variation 1474714 (VCV001474714.8), dbSNP rs200008141, ClinGen allele CA2127320.

ClinVar aggregate classification (germline): Uncertain significance. Review status: criteria provided, multiple submitters, no conflicts (2 of 4 stars). 3 submissions from 3 submitters: Uncertain significance (3). Last evaluated 2025-03-01.

Conditions:
Inborn genetic diseases. Identifiers: MedGen C0950123, MeSH D030342.
Myopathy, centronuclear, 5 (CNM5). Identifiers: Orphanet 169186, MedGen C4014814, MONDO:0014418, OMIM 615959.

Allele frequency attached by ClinVar (database versions not stated): TOPMed 0.00002; ExAC 0.00003; gnomAD 0.00004 and 0.00005; gnomAD exomes 0.00004 and 0.00002; 1000 Genomes Project 0.00020; 1000 Genomes Project 30x 0.00031; ESP Exome Variant Server 0.00008.
gnomAD v4.1: 71 of 1,584,658 alleles (0.0045%); highest among the groups gnomAD compares: Non-Finnish European, 0.0057%; no homozygotes.

Submissions (3):

Ambry Genetics
Classification: Uncertain significance for Inborn genetic diseases. Last evaluated: 2025-03-01. Review status: criteria provided, single submitter. Criteria: Ambry Variant Classification Scheme 2023. Collection method: clinical testing. Allele origin: germline.

Labcorp Genetics (formerly Invitae), Labcorp
Classification: Uncertain significance. Last evaluated: 2024-12-31. Review status: criteria provided, single submitter. Criteria: Invitae Variant Classification Sherloc (09022015). Collection method: clinical testing. Allele origin: germline.
Comment: This sequence change replaces serine, which is neutral and polar, with proline, which is neutral and non-polar, at codon 2626 of the SPEG protein (p.Ser2626Pro). This variant is present in population databases (rs200008141, gnomAD 0.004%). This variant has not been reported in the literature in individuals affected with SPEG-related conditions. ClinVar contains an entry for this variant (Variation ID: 1474714). An algorithm developed to predict the effect of missense changes on protein structure and function (PolyPhen-2) suggests that this variant is likely to be disruptive. In summary, the available evidence is currently insufficient to determine the role of this variant in disease. Therefore, it has been classified as a Variant of Uncertain Significance.

Revvity Omics, Revvity
Classification: Uncertain significance for Myopathy, centronuclear, 5. Last evaluated: 2024-07-10. Review status: criteria provided, single submitter. Criteria: ACMG Guidelines, 2015. Collection method: clinical testing. Allele origin: germline.